The following is an entry in ClinVar:

ClinVar aggregate classification (germline): Uncertain significance (1 of 4 stars; one submission).

gnomAD v4.1: 4 of 1,614,120 alleles (0.00025%); highest among the groups gnomAD compares: Non-Finnish European, 0.00034%; no homozygotes.

Submission:

Labcorp Genetics (formerly Invitae), Labcorp
Classification: Uncertain significance. Last evaluated: 2025-09-17. Review status: criteria provided, single submitter. Criteria: Invitae Variant Classification Sherloc (09022015). Collection method: clinical testing. Allele origin: germline.
Comment: This sequence change replaces glutamine, which is neutral and polar, with proline, which is neutral and non-polar, at codon 101 of the ANG protein (p.Gln101Pro). This variant is not present in population databases (gnomAD no frequency). This variant has not been reported in the literature in individuals affected with ANG-related conditions. An algorithm developed to predict the effect of missense changes on protein structure and function (PolyPhen-2) suggests that this variant is likely to be disruptive. In summary, the available evidence is currently insufficient to determine the role of this variant in disease. Therefore, it has been classified as a Variant of Uncertain Significance.

NM_001097577.3(ANG):c.302A>C (p.Gln101Pro)

Genes: ANG (angiogenin; plus strand), EGILA (EGFR interacting lncRNA; minus strand), RNASE4 (ribonuclease A family member 4; plus strand). Cytogenetic location: 14q11.2.
Variant type: single nucleotide variant.
Coding change: c.302A>C on transcript NM_001097577.3 (MANE Select); coding-DNA position 302, A replaced by C.
Protein change: p.Gln101Pro; replaces glutamine 101 with proline.
Molecular consequence: missense variant. On other transcripts: intron variant (4).
Genome position (GRCh38, 1-based): chr14:20,693,866, A>C. VCF-style: chr14-20693866-A-C. GRCh37 (hg19) VCF-style: chr14-21162025-A-C.
Other names: c.302A>C, p.Gln101Pro (NM_001145.4, NM_001385271.1, NM_001385272.1 and 2 more transcripts); c.-18+216A>C (NM_001282192.2); c.-17-5489A>C (NM_002937.5, NM_001282193.2); c.-18+4992A>C (NM_194431.3); short protein forms Q101P.
Identifiers: ClinVar variation 4741489 (VCV004741489.1).
Genomic context (GRCh38, chr14:20,693,866, plus strand): 5'-GTGAAAACAAGAATGGAAACCCTCACAGAGAAAACCTAAGAATAAGCAAGTCTTCTTTCC[A>C]GGTCACCACTTGCAAGCTACATGGAGGTTCCCCCTGGCCTCCATGCCAGTACCGAGCCAC-3'
Protein context (NP_001091046.1, residues 91-111): ENLRISKSSF[Gln101Pro]VTTCKLHGGS